The following is an entry in ClinVar:

NM_001388354.1(TMEM191C):c.354G>C (p.Leu118=)

Gene: TMEM191C (transmembrane protein 191C; plus strand). Cytogenetic location: 22q11.21.
Variant type: single nucleotide variant.
Coding change: c.354G>C on transcript NM_001388354.1 (MANE Select); coding-DNA position 354, G replaced by C.
Protein change: p.Leu118=; no amino-acid change (leucine 118 retained).
Molecular consequence: synonymous variant.
Genome position (GRCh38, 1-based): chr22:21,468,377, G>C. VCF-style: chr22-21468377-G-C. GRCh37 (hg19) VCF-style: chr22-21822666-G-C.
Other names: c.354G>C, p.Leu118= (NM_001207052.2).
Identifiers: ClinVar variation 4872066 (VCV004872066.2).
Genomic context (GRCh38, chr22:21,468,377, plus strand): 5'-GCCCGGTAAACCCCGCCCTTACAAGCCCCGCCCCTAGCTCTTCTACTACGGAGGGGAACT[G>C]CAGAGCCAGAAGAGCACGGAGCAGCAACTCGCAGCCCAATTGGTGACGCTGCAGGTGCTT-3'
Protein context (NP_001375283.1, residues 108-128): SSQLFYYGGE[Leu118=]QSQKSTEQQL

ClinVar aggregate classification (germline): Likely benign (1 of 4 stars; one submission).

gnomAD v4.1: 6,109 of 1,534,986 alleles (0.4%); highest among the groups gnomAD compares: Non-Finnish European, 0.49%; 16 homozygotes.

Submission:

CeGaT Center for Human Genetics Tuebingen
Classification: Likely benign. Last evaluated: 2026-05-01. Review status: criteria provided, single submitter. Criteria: CeGaT Center For Human Genetics Tuebingen Variant Classification Criteria Version 2. Collection method: clinical testing. Allele origin: germline. Affected: yes. Observed: 1 variant allele.
Comment: TMEM191C: BP4, BP7, BS2